The following is an entry in ClinVar:

ClinVar aggregate classification (germline): Uncertain significance. Review status: criteria provided, multiple submitters, no conflicts (2 of 4 stars). 2 submissions from 2 submitters: Uncertain significance (2). Last evaluated 2025-05-13.

gnomAD v4.1: 1 of 1,614,066 alleles (0.000062%); highest among the groups gnomAD compares: Non-Finnish European, 0.000085%; no homozygotes.

Submissions (2):

Ambry Genetics
Classification: Uncertain significance. Last evaluated: 2025-05-13. Review status: criteria provided, single submitter. Criteria: Ambry Variant Classification Scheme 2023. Collection method: clinical testing. Allele origin: germline.

Labcorp Genetics (formerly Invitae), Labcorp
Classification: Uncertain significance. Last evaluated: 2025-02-26. Review status: criteria provided, single submitter. Criteria: Invitae Variant Classification Sherloc (09022015). Collection method: clinical testing. Allele origin: germline.
Comment: This sequence change replaces glutamine, which is neutral and polar, with glutamic acid, which is acidic and polar, at codon 293 of the KL protein (p.Gln293Glu). This variant is not present in population databases (gnomAD no frequency). This variant has not been reported in the literature in individuals affected with KL-related conditions. Invitae Evidence Modeling of protein sequence and biophysical properties (such as structural, functional, and spatial information, amino acid conservation, physicochemical variation, residue mobility, and thermodynamic stability) indicates that this missense variant is not expected to disrupt KL protein function with a negative predictive value of 80%. In summary, the available evidence is currently insufficient to determine the role of this variant in disease. Therefore, it has been classified as a Variant of Uncertain Significance.

NM_004795.4(KL):c.877C>G (p.Gln293Glu)

Gene: KL (klotho; plus strand). Cytogenetic location: 13q13.1.
Variant type: single nucleotide variant.
Coding change: c.877C>G on transcript NM_004795.4 (MANE Select); coding-DNA position 877, C replaced by G.
Protein change: p.Gln293Glu; replaces glutamine 293 with glutamic acid.
Molecular consequence: missense variant.
Genome position (GRCh38, 1-based): chr13:33,053,824, C>G. VCF-style: chr13-33053824-C-G. GRCh37 (hg19) VCF-style: chr13-33627961-C-G.
Other names: short protein forms Q293E.
Identifiers: ClinVar variation 4043807 (VCV004043807.2).